The following is an entry in ClinVar:

ClinVar aggregate classification (germline): Uncertain significance (1 of 4 stars; one submission).

Submission:

Labcorp Genetics (formerly Invitae), Labcorp
Classification: Uncertain significance. Last evaluated: 2025-10-02. Review status: criteria provided, single submitter. Criteria: Invitae Variant Classification Sherloc (09022015). Collection method: clinical testing. Allele origin: germline.
Comment: This sequence change falls in intron 25 of the ITGAM gene. It does not directly change the encoded amino acid sequence of the ITGAM protein. It affects a nucleotide within the consensus splice site. This variant is not present in population databases (gnomAD no frequency). This variant has not been reported in the literature in individuals affected with ITGAM-related conditions. ClinVar contains an entry for this variant (Variation ID: 1410160). Variants that disrupt the consensus splice site are a relatively common cause of aberrant splicing (PMID: 17576681, 9536098). Algorithms developed to predict the effect of sequence changes on RNA splicing suggest that this variant is not likely to affect RNA splicing. In summary, the available evidence is currently insufficient to determine the role of this variant in disease. Therefore, it has been classified as a Variant of Uncertain Significance.

Literature cited by the submitters: PubMed 17576681; PubMed 9536098.

NM_000632.4(ITGAM):c.2976+6C>T

Gene: ITGAM (integrin subunit alpha M; plus strand). Cytogenetic location: 16p11.2.
Variant type: single nucleotide variant.
Coding change: c.2976+6C>T on transcript NM_000632.4 (MANE Select); 6 bases into the intron after coding-DNA position 2976, C replaced by T.
Molecular consequence: intron variant.
Genome position (GRCh38, 1-based): chr16:31,329,911, C>T. VCF-style: chr16-31329911-C-T. GRCh37 (hg19) VCF-style: chr16-31341232-C-T.
Other names: c.2979+6C>T (NM_001145808.2).
Identifiers: ClinVar variation 1410160 (VCV001410160.6), dbSNP rs973135810, ClinGen allele CA2216986459.
Genomic context (GRCh38, chr16:31,329,911, plus strand): 5'-CGTCCGGCTGAACCAGACTGTCATATGGGACCGCCCCCAGGTCACCTTCTCCGAGGTGAG[C>T]GGAGCTCGGCCTGACTCCTGCACGGCCCTGCGCGTTCCTCTCACCTCTGTTAATGCTATT-3'